The following is an entry in ClinVar:

NM_004260.4(RECQL4):c.2419C>T (p.Arg807Cys)

Gene: RECQL4 (RecQ like helicase 4; minus strand). Cytogenetic location: 8q24.3.
Variant type: single nucleotide variant.
Coding change: c.2419C>T on transcript NM_004260.4 (MANE Select); coding-DNA position 2419, C replaced by T.
Protein change: p.Arg807Cys; replaces arginine 807 with cysteine.
Molecular consequence: missense variant.
Genome position (GRCh38, 1-based): chr8:144,513,262, G>A on the plus strand (C>T on the coding strand, the complement: RECQL4 is on the minus strand). VCF-style: chr8-144513262-G-A. GRCh37 (hg19) VCF-style: chr8-145738645-G-A.
Other names: short protein forms R807C.
Identifiers: ClinVar variation 459399 (VCV000459399.8), dbSNP rs764549158, ClinGen allele CA4948300.
Genomic context (GRCh38, chr8:144,513,262, plus strand): 5'-GGGGGGGGGTGCCAACCTGGGGCTGCAGGAAGAGGTGGCAGTGGGCAGGCTGCCCGTCAC[G>A]CCCGGCCCGGCCCACGGCCTGCACGTAGCTCTCGAAGCTTGGGGGCAGCCCCAGATGCAG-3'
Protein context (NP_004251.4, residues 797-817): SYVQAVGRAG[Arg807Cys]DGQPAHCHLF

ClinVar aggregate classification (germline): Uncertain significance (1 of 4 stars; one submission).

Conditions:
Baller-Gerold syndrome (BGS). Also called: CRANIOSYNOSTOSIS WITH RADIAL DEFECTS. Identifiers: Orphanet 1225, MedGen C0265308, MONDO:0009039, OMIM 218600.

Allele frequency attached by ClinVar (database versions not stated): gnomAD exomes 0.00001; ExAC 0.00002; TOPMed 0.00002.

Submissions (2):

Labcorp Genetics (formerly Invitae), Labcorp
Classification: Uncertain significance for Baller-Gerold syndrome. Last evaluated: 2025-10-23. Review status: criteria provided, single submitter. Criteria: Invitae Variant Classification Sherloc (09022015). Collection method: clinical testing. Allele origin: germline.
Comment: This sequence change replaces arginine, which is basic and polar, with cysteine, which is neutral and slightly polar, at codon 807 of the RECQL4 protein (p.Arg807Cys). The frequency data for this variant in the population databases is considered unreliable, as metrics indicate poor data quality at this position in the gnomAD database. This variant has not been reported in the literature in individuals affected with RECQL4-related conditions. ClinVar contains an entry for this variant (Variation ID: 459399). Invitae Evidence Modeling of protein sequence and biophysical properties (such as structural, functional, and spatial information, amino acid conservation, physicochemical variation, residue mobility, and thermodynamic stability) indicates that this missense variant is expected to disrupt RECQL4 protein function with a positive predictive value of 80%. In summary, the available evidence is currently insufficient to determine the role of this variant in disease. Therefore, it has been classified as a Variant of Uncertain Significance.

Dr. Peter K. Rogan Lab, Western University
No classification provided (evidence only). Condition: Ovarian serous cystadenocarcinoma. Review status: no classification provided. Collection method: in vitro. Allele origin: not applicable. Functional consequence: retained intron. Not counted in ClinVar's aggregate classification.